The following is an entry in ClinVar:

ClinVar aggregate classification (germline): Uncertain significance. Review status: criteria provided, multiple submitters, no conflicts (2 of 4 stars). 2 submissions from 2 submitters: Uncertain significance (2). Last evaluated 2025-12-16.

Allele frequency attached by ClinVar (database versions not stated): gnomAD exomes 0.00002; ExAC 0.00008; ESP Exome Variant Server 0.00008; gnomAD 0.00013; TOPMed 0.00014; 1000 Genomes Project 0.00040; 1000 Genomes Project 30x 0.00062.
gnomAD v4.1: 49 of 1,614,150 alleles (0.003%); highest among the groups gnomAD compares: African/African-American, 0.045%; no homozygotes.

Submissions (2):

Ambry Genetics
Classification: Uncertain significance. Last evaluated: 2025-12-16. Review status: criteria provided, single submitter. Criteria: Ambry Variant Classification Scheme 2023. Collection method: clinical testing. Allele origin: germline.

Labcorp Genetics (formerly Invitae), Labcorp
Classification: Uncertain significance. Last evaluated: 2024-06-10. Review status: criteria provided, single submitter. Criteria: Invitae Variant Classification Sherloc (09022015). Collection method: clinical testing. Allele origin: germline.
Comment: This sequence change replaces proline, which is neutral and non-polar, with leucine, which is neutral and non-polar, at codon 200 of the IRF9 protein (p.Pro200Leu). This variant is present in population databases (rs149763750, gnomAD 0.05%). This variant has not been reported in the literature in individuals affected with IRF9-related conditions. Algorithms developed to predict the effect of missense changes on protein structure and function output the following: SIFT: "Not Available"; PolyPhen-2: "Benign"; Align-GVGD: "Not Available". The leucine amino acid residue is found in multiple mammalian species, which suggests that this missense change does not adversely affect protein function. In summary, the available evidence is currently insufficient to determine the role of this variant in disease. Therefore, it has been classified as a Variant of Uncertain Significance.

NM_006084.5(IRF9):c.599C>T (p.Pro200Leu)

Gene: IRF9 (interferon regulatory factor 9; plus strand). Cytogenetic location: 14q12.
Variant type: single nucleotide variant.
Coding change: c.599C>T on transcript NM_006084.5 (MANE Select); coding-DNA position 599, C replaced by T.
Protein change: p.Pro200Leu; replaces proline 200 with leucine.
Molecular consequence: missense variant.
Genome position (GRCh38, 1-based): chr14:24,164,084, C>T. VCF-style: chr14-24164084-C-T. GRCh37 (hg19) VCF-style: chr14-24633293-C-T.
Other names: c.599C>T (NM_006084.4); c.599C>T, p.Pro200Leu (NM_001385400.1, NM_001385401.1, NM_001385402.1); short protein forms P200L.
Identifiers: ClinVar variation 2967836 (VCV002967836.4), dbSNP rs149763750, ClinGen allele CA7126502.